The following is an entry in ClinVar:

ClinVar aggregate classification (germline): Benign (1 of 4 stars; one submission).

Conditions:
Pancreatic cancer, susceptibility to, 1. Identifiers: Orphanet 1333, MedGen C1847351, MONDO:0011739, OMIM 606856.

Allele frequency attached by ClinVar (database versions not stated): gnomAD 0.00001; 1000 Genomes Project 30x 0.00031; 1000 Genomes Project 0.00040.
gnomAD v4.1: 2 of 181,282 alleles (0.0011%); highest among the groups gnomAD compares: African/African-American, 0.0047%; no homozygotes.

Submission:

Illumina Laboratory Services, Illumina
Classification: Benign for Pancreatic cancer, susceptibility to, 1. Last evaluated: 2018-01-13. Review status: criteria provided, single submitter. Criteria: ICSL Variant Classification Criteria 13 December 2019. Collection method: clinical testing. Allele origin: germline.
Comment: This variant was observed in the ICSL laboratory as part of a predisposition screen in an ostensibly healthy population. It had not been previously curated by ICSL or reported in the Human Gene Mutation Database (HGMD: prior to June 1st, 2018), and was therefore a candidate for classification through an automated scoring system. Utilizing variant allele frequency, disease prevalence and penetrance estimates, and inheritance mode, an automated score was calculated to assess if this variant is too frequent to cause the disease. Based on the score and internal cut-off values, a variant classified as benign is not then subjected to further curation. The score for this variant resulted in a classification of benign for this disease.

NM_001166108.2(PALLD):c.*2214C>T

Genes: PALLD (palladin, cytoskeletal associated protein; plus strand), CBR4 (carbonyl reductase 4; minus strand). Cytogenetic location: 4q32.3.
Variant type: single nucleotide variant.
Coding change: c.*2214C>T on transcript NM_001166108.2 (MANE Select); 2214 bases downstream of the stop codon, C replaced by T.
Molecular consequence: 3 prime UTR variant.
Genome position (GRCh38, 1-based): chr4:168,928,394, C>T. VCF-style: chr4-168928394-C-T. GRCh37 (hg19) VCF-style: chr4-169849545-C-T.
Other names: c.*2009C>T (NM_001166109.2, NM_001166110.2, NM_001367568.1 and 1 more transcripts); c.*2214C>T (NM_001367567.1, NM_001367570.1, NM_016081.4).
Identifiers: ClinVar variation 348078 (VCV000348078.5), dbSNP rs145960760, ClinGen allele CA10620435.